The following is an entry in ClinVar:

NM_001397406.1(FDX2):c.519C>G (p.Phe173Leu)

Genes: FDX2 (ferredoxin 2; minus strand), FDX2-ZGLP1 (FDX2-ZGLP1 readthrough (NMD candidate); minus strand). Cytogenetic location: 19p13.2.
Variant type: single nucleotide variant.
Coding change: c.519C>G on transcript NM_001397406.1 (MANE Select); coding-DNA position 519, C replaced by G.
Protein change: p.Phe173Leu; replaces phenylalanine 173 with leucine.
Molecular consequence: missense variant.
Genome position (GRCh38, 1-based): chr19:10,310,519, G>C on the plus strand (C>G on the coding strand, the complement: FDX2 is on the minus strand). VCF-style: chr19-10310519-G-C. GRCh37 (hg19) VCF-style: chr19-10421195-G-C.
Other names: short protein forms F173L.
Identifiers: ClinVar variation 1370974 (VCV001370974.8), dbSNP rs1303478547, ClinGen allele CA403978294.
Genomic context (GRCh38, chr19:10,310,519, plus strand): 5'-CAATGTGGAATGGTCCAGGTGTTCATGTCAGTGGGGCTTGGGGACATGGCCATCCACGTA[G>C]AAGTTCCTGGTGATCTTGGGCAGGGTGAATTCCGCTCCTTCCAGCTCCGGTGTCAGCACA-3'
Protein context (NP_001384335.1, residues 163-183): EFTLPKITRN[Phe173Leu]YVDGHVPKPH

ClinVar aggregate classification (germline): Uncertain significance (1 of 4 stars; one submission).

Submission:

Labcorp Genetics (formerly Invitae), Labcorp
Classification: Uncertain significance. Last evaluated: 2024-02-24. Review status: criteria provided, single submitter. Criteria: Invitae Variant Classification Sherloc (09022015). Collection method: clinical testing. Allele origin: germline.
Comment: This sequence change replaces phenylalanine, which is neutral and non-polar, with leucine, which is neutral and non-polar, at codon 176 of the FDX2 protein (p.Phe176Leu). This variant is not present in population databases (gnomAD no frequency). This variant has not been reported in the literature in individuals affected with FDX2-related conditions. ClinVar contains an entry for this variant (Variation ID: 1370974). Experimental studies and prediction algorithms are not available or were not evaluated, and the functional significance of this variant is currently unknown. Algorithms developed to predict the effect of sequence changes on RNA splicing suggest that this variant may create or strengthen a splice site. In summary, the available evidence is currently insufficient to determine the role of this variant in disease. Therefore, it has been classified as a Variant of Uncertain Significance.